The following is an entry in ClinVar:

NM_032482.3(DOT1L):c.572C>T (p.Pro191Leu)

Gene: DOT1L (DOT1 like histone lysine methyltransferase; plus strand). Cytogenetic location: 19p13.3.
Variant type: single nucleotide variant.
Coding change: c.572C>T on transcript NM_032482.3 (MANE Select); coding-DNA position 572, C replaced by T.
Protein change: p.Pro191Leu; replaces proline 191 with leucine.
Molecular consequence: missense variant.
Genome position (GRCh38, 1-based): chr19:2,193,767, C>T. VCF-style: chr19-2193767-C-T. GRCh37 (hg19) VCF-style: chr19-2193766-C-T.
Other names: c.572C>T, p.Pro191Leu (NM_001411141.1); short protein forms P191L.
Identifiers: ClinVar variation 3390675 (VCV003390675.2).

ClinVar aggregate classification (germline): Uncertain significance (1 of 4 stars; one submission).

Submission:

GeneDx
Classification: Uncertain significance. Last evaluated: 2025-10-28. Review status: criteria provided, single submitter. Criteria: GeneDx Variant Classification Process June 2021. Collection method: clinical testing. Allele origin: germline.
Comment: Not observed at significant frequency in large population cohorts (gnomAD); In silico analysis supports that this missense variant has a deleterious effect on protein structure/function; Has not been previously published as pathogenic or benign to our knowledge